The following is an entry in ClinVar:

NM_005573.4(LMNB1):c.269G>C (p.Arg90Pro)

Gene: LMNB1 (lamin B1; plus strand). Cytogenetic location: 5q23.2.
Variant type: single nucleotide variant.
Coding change: c.269G>C on transcript NM_005573.4 (MANE Select); coding-DNA position 269, G replaced by C.
Protein change: p.Arg90Pro; replaces arginine 90 with proline.
Molecular consequence: missense variant. On other transcripts: non-coding transcript variant (1), intron variant (1).
Genome position (GRCh38, 1-based): chr5:126,777,777, G>C. VCF-style: chr5-126777777-G-C. GRCh37 (hg19) VCF-style: chr5-126113469-G-C.
Other names: c.-272+533G>C (NM_001198557.2); c.269G>C (NM_005573.3); short protein forms R90P.
Identifiers: ClinVar variation 997433 (VCV000997433.4), dbSNP rs1750506249, ClinGen allele CA360725649.
Genomic context (GRCh38, chr5:126,777,777, plus strand): 5'-TGCGCGGCCGTGAGCTCACCGGCCTCAAGGCGCTCTACGAGACCGAGCTGGCCGACGCGC[G>C]ACGCGCGCTCGACGACACGGCCCGCGAGCGCGCCAAGCTGCAGATCGAGCTGGGCAAGTG-3'
Protein context (NP_005564.1, residues 80-100): ALYETELADA[Arg90Pro]RALDDTARER

ClinVar aggregate classification (germline): Likely pathogenic. Review status: criteria provided, multiple submitters, no conflicts (2 of 4 stars). 3 submissions from 3 submitters: Likely pathogenic (2). 1 of the submissions does not count toward it. Last evaluated 2026-04-28.

Conditions:
Inborn genetic diseases. Identifiers: MedGen C0950123, MeSH D030342.
Microcephaly 26, primary, autosomal dominant. Identifiers: MedGen C5543048, MONDO:0030928, OMIM 619179.

Submissions (3):

Wales Gene Park, Division Of Cancer and Genetics, Cardiff University
Classification: Likely pathogenic for Microcephaly 26, primary, autosomal dominant. Last evaluated: 2026-04-28. Review status: criteria provided, single submitter. Criteria: ACGS Best Practice Guidelines for Variant Classification in Rare Disease 2024. Collection method: research. Allele origin: de novo. Inheritance: Autosomal dominant inheritance. Affected: yes. Study: 100,000 Genomes Project (Wales).
Comment: De novo LMNB1 missense variant detected by trio genome sequencing. Not in gnomAD (v4.1.1). REVEL score 0.838. Evidence codes: PP3, PM2, PS2_moderate, PS4_supporting.

Ambry Genetics
Classification: Likely pathogenic for Inborn genetic diseases. Last evaluated: 2025-12-03. Review status: criteria provided, single submitter. Criteria: Ambry Variant Classification Scheme 2023. Collection method: clinical testing. Allele origin: germline.
Comment: The c.269G>C (p.R90P) alteration is located in exon 1 (coding exon 1) of the LMNB1 gene. This alteration results from a G to C substitution at nucleotide position 269, causing the arginine (R) at amino acid position 90 to be replaced by a proline (P). for autosomal dominant LMNB1-related primary microcephaly; however, it is unlikely to be causative of autosomal dominant LMNB1-related adult onset leukodystrophy. This variant was not reported in population-based cohorts in the Genome Aggregation Database (gnomAD). This variant was determined to be de novo in at least one individual with features consistent with LMNB1-related primary microcephaly (Parry, 2021). This amino acid position is highly conserved in available vertebrate species. This alteration is predicted to be deleterious by in silico analysis. Based on the available evidence, this alteration is classified as likely pathogenic.

OMIM
Classification: Pathogenic for MICROCEPHALY 26, PRIMARY, AUTOSOMAL DOMINANT. Last evaluated: 2023-01-13. Review status: no assertion criteria provided. Collection method: literature only. Allele origin: germline. Not counted in ClinVar's aggregate classification.

Literature cited by the submitters: PubMed 33033404 (cited by 3 submitters).